The following is an entry in ClinVar:

ClinVar aggregate classification (germline): Uncertain significance. Review status: criteria provided, multiple submitters, no conflicts (2 of 4 stars). 2 submissions from 2 submitters: Uncertain significance (2). Last evaluated 2025-10-13.

Conditions:
Inborn genetic diseases. Identifiers: MedGen C0950123, MeSH D030342.

Submissions (2):

GeneDx
Classification: Uncertain significance. Last evaluated: 2025-10-13. Review status: criteria provided, single submitter. Criteria: GeneDx Variant Classification Process June 2021. Collection method: clinical testing. Allele origin: germline.
Comment: Not observed at significant frequency in large population cohorts (gnomAD); In silico analysis suggests that this missense variant does not alter protein structure/function; Has not been previously published as pathogenic or benign to our knowledge

Ambry Genetics
Classification: Uncertain significance for Inborn genetic diseases. Last evaluated: 2023-12-04. Review status: criteria provided, single submitter. Criteria: Ambry Variant Classification Scheme 2023. Collection method: clinical testing. Allele origin: germline.

NM_005121.3(MED13):c.455A>G (p.Lys152Arg)

Gene: MED13 (mediator complex subunit 13; minus strand). Cytogenetic location: 17q23.2.
Variant type: single nucleotide variant.
Coding change: c.455A>G on transcript NM_005121.3 (MANE Select); coding-DNA position 455, A replaced by G.
Protein change: p.Lys152Arg; replaces lysine 152 with arginine.
Molecular consequence: missense variant.
Genome position (GRCh38, 1-based): chr17:62,052,552, T>C on the plus strand (A>G on the coding strand, the complement: MED13 is on the minus strand). VCF-style: chr17-62052552-T-C. GRCh37 (hg19) VCF-style: chr17-60129913-T-C.
Other names: short protein forms K152R.
Identifiers: ClinVar variation 3124914 (VCV003124914.3), dbSNP rs2509205059, ClinGen allele CA400786826.